The following is an entry in ClinVar:

ClinVar aggregate classification (germline): Pathogenic (1 of 4 stars; one submission).

Conditions:
CEP290-related ciliopathy. Also called: CEP290 ciliopathy. Identifiers: MedGen CN305601, MONDO:0100451.

Submission:

Myriad Genetics, Inc.
Classification: Pathogenic for CEP290-related ciliopathy. Last evaluated: 2025-05-03. Review status: criteria provided, single submitter. Criteria: Myriad Autosomal Dominant, Autosomal Recessive and X-Linked Classification Criteria (2023). Collection method: clinical testing. Allele origin: unknown.
Comment: NM_025114.3(CEP290):c.1781dupT(L594Ffs*11) is expected to be pathogenic in the context of CEP290-related disorders. This variant is predicted to lead to an abnormal or absent protein product due to the creation of a premature termination codon in CEP290, a gene where loss-of-function variants are known to be pathogenic. Please note: this variant was assessed in the context of healthy population screening.

NM_025114.4(CEP290):c.1781dup (p.Leu594fs)

Gene: CEP290 (centrosomal protein 290; minus strand). Cytogenetic location: 12q21.32.
Variant type: Duplication.
Coding change: c.1781dup on transcript NM_025114.4 (MANE Select); coding-DNA position 1781, one base duplicated (T; older notation c.1781dupT).
Protein change: p.Leu594fs; shifts the reading frame from leucine 594.
Molecular consequence: frameshift variant.
Genome position (GRCh38, 1-based): chr12:88,117,076, A duplicated on the plus strand (T on the coding strand, the reverse complement: CEP290 is on the minus strand); the first of 2 consecutive A bases (chr12:88,117,076-88,117,077); duplicating either gives the same sequence. VCF-style (leftmost placement, unchanged base first): chr12-88117075-C-CA. GRCh37 (hg19) VCF-style: chr12-88510852-C-CA.
Other names: short protein forms L594fs.
Identifiers: ClinVar variation 5014371 (VCV005014371.1).